The following is an entry in ClinVar:

ClinVar aggregate classification (germline): Pathogenic (1 of 4 stars; one submission).

Submission:

Labcorp Genetics (formerly Invitae), Labcorp
Classification: Pathogenic. Last evaluated: 2023-01-20. Review status: criteria provided, single submitter. Criteria: Invitae Variant Classification Sherloc (09022015). Collection method: clinical testing. Allele origin: germline.
Comment: This sequence change creates a premature translational stop signal (p.His567Thrfs*86) in the COL4A4 gene. It is expected to result in an absent or disrupted protein product. Loss-of-function variants in COL4A4 are known to be pathogenic (PMID: 21196518, 24854265, 25307543). This variant is not present in population databases (gnomAD no frequency). This variant has not been reported in the literature in individuals affected with COL4A4-related conditions. This variant is also known as c.1696+1del. ClinVar contains an entry for this variant (Variation ID: 1071074). Algorithms developed to predict the effect of sequence changes on RNA splicing suggest that this variant may disrupt the consensus splice site. For these reasons, this variant has been classified as Pathogenic.

Literature cited by the submitters: PubMed 21196518; PubMed 24854265; PubMed 25307543.

NM_000092.5(COL4A4):c.1696+1del

Gene: COL4A4 (collagen type IV alpha 4 chain; minus strand). Cytogenetic location: 2q36.3.
Variant type: Deletion.
Coding change: c.1696+1del on transcript NM_000092.5 (MANE Select); the canonical splice donor site of the intron after coding-DNA position 1696, one base deleted (G; older notation c.1696+1delG).
Molecular consequence: splice donor variant.
Genome position (GRCh38, 1-based): chr2:227,082,114, C deleted on the plus strand (G on the coding strand, the reverse complement: COL4A4 is on the minus strand); the first of 2 consecutive C bases (chr2:227,082,114-227,082,115); deleting either gives the same sequence. VCF-style (leftmost placement, unchanged base first): chr2-227082113-AC-A. GRCh37 (hg19) VCF-style: chr2-227946829-AC-A.
Identifiers: ClinVar variation 1071074 (VCV001071074.7), dbSNP rs2150523233, ClinGen allele CA2499215704.